The following is an entry in ClinVar:

ClinVar aggregate classification (germline): Likely benign. Review status: criteria provided, single submitter (1 of 4 stars). 2 submissions from 2 submitters: Likely benign (1). 1 of the submissions does not count toward it. Last evaluated 2025-12-01.

Conditions:
Neurofibromatosis, type 1 (NF1). Also called: Neurofibromatosis, type I; NEUROFIBROMATOSIS, TYPE I, SOMATIC; VON RECKLINGHAUSEN DISEASE; Peripheral type neurofibromatosis. Identifiers: Orphanet 636, MedGen C0027831, MONDO:0018975, OMIM 162200. Disease mechanism: loss of function.
NF1-related disorder. Also called: NF1-related condition. Identifiers: MedGen CN379171.

Submissions (2):

Labcorp Genetics (formerly Invitae), Labcorp
Classification: Likely benign for Neurofibromatosis, type 1. Last evaluated: 2025-12-01. Review status: criteria provided, single submitter. Criteria: Invitae Variant Classification Sherloc (09022015). Collection method: clinical testing. Allele origin: germline.

PreventionGenetics, part of Exact Sciences
Classification: Likely benign for NF1-related condition. Last evaluated: 2021-10-25. Review status: no assertion criteria provided. Collection method: clinical testing. Allele origin: germline. Not counted in ClinVar's aggregate classification.
Comment: This variant is classified as likely benign based on ACMG/AMP sequence variant interpretation guidelines (Richards et al. 2015 PMID: 25741868, with internal and published modifications).

NM_001042492.3(NF1):c.2676C>T (p.Ser892=)

Gene: NF1 (neurofibromin 1; plus strand). Cytogenetic location: 17q11.2.
Variant type: single nucleotide variant.
Coding change: c.2676C>T on transcript NM_001042492.3 (MANE Select); coding-DNA position 2676, C replaced by T.
Protein change: p.Ser892=; no amino-acid change (serine 892 retained).
Molecular consequence: synonymous variant.
Genome position (GRCh38, 1-based): chr17:31,229,291, C>T. VCF-style: chr17-31229291-C-T. GRCh37 (hg19) VCF-style: chr17-29556309-C-T.
Other names: c.2676C>T, p.Ser892= (NM_000267.4).
Identifiers: ClinVar variation 3029609 (VCV003029609.3), dbSNP rs2151429417, ClinGen allele CA499228050.
Genomic context (GRCh38, chr17:31,229,291, plus strand): 5'-ACGTAAGGGTTCTATGATTTCAGTGATGTCTTCAGAGGGAAACGCAGATACACCTGTCAG[C>T]AAATTTATGGATCGGCTGTTGTCCTTAATGGTGTGTAACCATGAGAAAGTGGGACTTCAA-3'
Protein context (NP_001035957.1, residues 882-902): SSEGNADTPV[Ser892=]KFMDRLLSLM